The following is an entry in ClinVar:

ClinVar aggregate classification (germline): Uncertain significance (1 of 4 stars; one submission).

Submission:

GeneDx
Classification: Uncertain significance. Last evaluated: 2026-04-01. Review status: criteria provided, single submitter. Criteria: GeneDx Variant Classification Process June 2021. Collection method: clinical testing. Allele origin: germline.
Comment: Not observed at significant frequency in large population cohorts (gnomAD); Frameshift variant predicted to result in protein truncation or nonsense mediated decay in a gene or region of a gene for which loss of function is not a well-established mechanism of disease; Has not been previously published as pathogenic or benign to our knowledge

NM_001379451.1(BCORL1):c.3529del (p.Arg1177fs)

Gene: BCORL1 (BCL6 corepressor like 1; plus strand). Cytogenetic location: Xq26.1.
Variant type: Deletion.
Coding change: c.3529del on transcript NM_001379451.1 (MANE Select); coding-DNA position 3529, one base deleted (A; older notation c.3529delA).
Protein change: p.Arg1177fs; shifts the reading frame from arginine 1177.
Molecular consequence: frameshift variant.
Genome position (GRCh38, 1-based): chrX:130,021,072, A deleted. VCF-style (leftmost placement, unchanged base first): chrX-130021071-CA-C. GRCh37 (hg19) VCF-style: chrX-129155046-CA-C.
Other names: c.3529del, p.Arg1177fs (NM_001184772.3, NM_001379450.1, NM_001441326.1 and 7 more transcripts); c.3529delA, p.Arg1177Glyfs (NM_021946.4); short protein forms R1177fs.
Identifiers: ClinVar variation 5017506 (VCV005017506.1).